The following is an entry in ClinVar:

ClinVar aggregate classification (germline): Pathogenic. Review status: criteria provided, multiple submitters, no conflicts (2 of 4 stars). 9 submissions from 9 submitters: Pathogenic (8). 1 of the submissions does not count toward it. Last evaluated 2026-01-26.

Conditions:
PKD1-related disorder. Also called: PKD1-related condition.
Polycystic kidney disease. Also called: Kidney, Polycystic; Polycystic kidney dysplasia. Identifiers: MedGen C0022680, MeSH D007690, MONDO:0020642, HP:0000113.
Polycystic kidney disease, adult type (PKD1). Also called: POLYCYSTIC KIDNEY DISEASE, ADULT, TYPE I; Polycystic Kidney Disease 1, Autosomal Dominant; Polycystic kidney disease 1; Polycystic kidney disease 1, severe; Polycystic Kidney, Autosomal Dominant; POLYCYSTIC KIDNEY DISEASE 1 WITH OR WITHOUT POLYCYSTIC LIVER DISEASE. Identifiers: MedGen C3149841, MONDO:0008263, OMIM 173900.

Submissions (9):

Medical and Scientific Branch, Hong Kong Genome Institute
Classification: Pathogenic for Polycystic kidney disease, adult type. Last evaluated: 2026-01-26. Review status: criteria provided, single submitter. Criteria: ACMG Guidelines, 2015. Collection method: clinical testing. Allele origin: unknown. Affected: yes.

3billion
Classification: Pathogenic for Polycystic kidney disease, adult type. Last evaluated: 2025-03-27. Review status: criteria provided, single submitter. Criteria: ACMG Guidelines, 2015. Collection method: clinical testing. Allele origin: germline. Affected: yes.

Blueprint Genetics
Classification: Pathogenic for PKD1-related disorders. Last evaluated: 2024-06-08. Review status: criteria provided, single submitter. Criteria: ACMG Guidelines, 2015. Collection method: clinical testing. Allele origin: germline. Affected: yes. Observed: 1 variant allele.

Genomic Medicine Center of Excellence, King Faisal Specialist Hospital and Research Centre
Classification: Pathogenic for Polycystic kidney disease, adult type. Last evaluated: 2024-04-04. Review status: criteria provided, single submitter. Criteria: ACMG Guidelines, 2015. Collection method: clinical testing. Allele origin: germline.

GeneDx
Classification: Pathogenic. Last evaluated: 2023-02-06. Review status: criteria provided, single submitter. Criteria: GeneDx Variant Classification Process June 2021. Collection method: clinical testing. Allele origin: germline. Affected: yes.
Comment: Frameshift variant predicted to result in protein truncation or nonsense mediated decay in a gene for which loss of function is a known mechanism of disease; Not observed at significant frequency in large population cohorts (gnomAD); This variant is associated with the following publications: (PMID: 22508176, 33226606, 22367170)

Fulgent Genetics
Classification: Pathogenic for Polycystic kidney disease, adult type. Last evaluated: 2021-12-30. Review status: criteria provided, single submitter. Criteria: ACMG Guidelines, 2015. Collection method: clinical testing. Allele origin: unknown.

ARUP Laboratories, Molecular Genetics and Genomics, ARUP Laboratories
Classification: Pathogenic. Last evaluated: 2017-04-03. Review status: criteria provided, single submitter. Criteria: ARUP Molecular Germline Variant Investigation Process. Collection method: clinical testing. Allele origin: germline.

Juno Genomics, Hangzhou Juno Genomics, Inc
Classification: Pathogenic for Polycystic kidney disease, adult type. Review status: criteria provided, single submitter. Criteria: ACMG Guidelines, 2015. Collection method: clinical testing. Allele origin: germline. Affected: yes.
Comment: Absent from controls (or at extremely low frequency if recessive) in Genome Aggregation Database, Exome Sequencing Project, 1000 Genomes Project, or Exome Aggregation Consortium.;Null variant in a gene where loss of function (LOF) is a known mechanism of disease.;The prevalence of the variant in affected individuals is significantly increased compared to the prevalence in controls.;Patient's phenotype or family history is highly specific for a disease with a single genetic etiology.

Department of Pathology and Laboratory Medicine, Sinai Health System
Classification: Pathogenic for Polycystic Kidney disease. Review status: no assertion criteria provided. Collection method: clinical testing. Allele origin: unknown. Affected: yes. Study: The Canadian Open Genetics Repository (COGR). Not counted in ClinVar's aggregate classification.
Comment: The PKD1 p.Cys2195GlyfsX15 variant was identified in 3 of 2792 proband chromosomes (frequency: 0.001) from individuals or families with ADPKD (Audrezet 2012, Trujillano 2014, Carrera 2016). The variant was also identified in ADPKD Mutation Database (2x, as definitely pathogenic. The variant was not identified in dbSNP, ClinVar, Clinvitae, GeneInsight-COGR, LOVD 3.0, or PKD1-LOVD databases. The variant was not identified in the following control databases: the 1000 Genomes Project, the NHLBI GO Exome Sequencing Project, the Exome Aggregation Consortium (August 8th 2016), or the Genome Aggregation Database (Feb 27, 2017). The c.6583_6589del variant is predicted to cause a frameshift, which alters the protein amino acid sequence beginning at codon 2195 and leads to a premature stop codon 15 codons downstream. This alteration is then predicted to result in a truncated or absent protein and loss of function. Loss of function variants of the PKD1 gene are an established mechanism of disease in ADPKD and is the type of variant expected to cause the disorder. In summary, based on the above information this variant meets our laboratoryâ€šÃ„Ã´s criteria to be classified as pathogenic.

Literature cited by the submitters: PubMed 22367170 (cited by 3billion).

NM_001009944.3(PKD1):c.6583_6589del (p.Cys2195fs)

Gene: PKD1 (polycystin 1, transient receptor potential channel interacting; minus strand). Cytogenetic location: 16p13.3.
Variant type: Deletion.
Coding change: c.6583_6589del on transcript NM_001009944.3 (MANE Select); coding-DNA positions 6583 to 6589, 7 bases deleted (TGCCAGC; older notation c.6583_6589delTGCCAGC).
Protein change: p.Cys2195fs; shifts the reading frame from cysteine 2195.
Molecular consequence: frameshift variant.
Genome position (GRCh38, 1-based): chr16:2,108,578-2,108,584, GCTGGCA deleted on the plus strand (TGCCAGC on the coding strand, the reverse complement: PKD1 is on the minus strand); deleting any 7 consecutive bases within chr16:2,108,578-2,108,590 gives the same sequence; the c. name uses the placement nearest the transcript's 3' end. VCF-style (leftmost placement, unchanged base first): chr16-2108577-CGCTGGCA-C. GRCh37 (hg19) VCF-style: chr16-2158578-CGCTGGCA-C.
Other names: c.6583_6589del (NM_001009944.2); c.6583_6589del, p.Cys2195fs (NM_000296.4); short protein forms C2195fs.
Identifiers: ClinVar variation 440136 (VCV000440136.17), dbSNP rs1555454353, ClinGen allele CA645509211.